The following is an entry in ClinVar:

ClinVar aggregate classification (germline): Likely benign. Review status: criteria provided, multiple submitters, no conflicts (2 of 4 stars). 2 submissions from 2 submitters: Likely benign (2). Last evaluated 2022-02-07.

Conditions:
Aicardi-Goutieres syndrome 3. Identifiers: Orphanet 51, MedGen C1835916, MONDO:0012471, OMIM 610329.

Allele frequency attached by ClinVar (database versions not stated): 1000 Genomes Project 30x 0.00250; 1000 Genomes Project 0.00280; TOPMed 0.00732.

Submissions (2):

Fulgent Genetics
Classification: Likely benign for Aicardi-Goutieres syndrome 3. Last evaluated: 2022-02-07. Review status: criteria provided, single submitter. Criteria: ACMG Guidelines, 2015. Collection method: clinical testing. Allele origin: unknown.

Illumina Laboratory Services, Illumina
Classification: Likely benign for Aicardi-Goutieres syndrome 3. Last evaluated: 2018-01-13. Review status: criteria provided, single submitter. Criteria: ICSL Variant Classification Criteria 13 December 2019. Collection method: clinical testing. Allele origin: germline.
Comment: This variant was observed in the ICSL laboratory as part of a predisposition screen in an ostensibly healthy population. It had not been previously curated by ICSL or reported in the Human Gene Mutation Database (HGMD: prior to June 1st, 2018), and was therefore a candidate for classification through an automated scoring system. Utilizing variant allele frequency, disease prevalence and penetrance estimates, and inheritance mode, an automated score was calculated to assess if this variant is too frequent to cause the disease. Based on the score and internal cut-off values, a variant classified as likely benign is not then subjected to further curation. The score for this variant resulted in a classification of likely benign for this disease.

NM_032193.3(RNASEH2C):c.-157C>A

Genes: RNASEH2C (ribonuclease H2 subunit C; minus strand), LOC130006062 (ATAC-STARR-seq lymphoblastoid active region 5003; plus strand). Cytogenetic location: 11q13.1.
Variant type: single nucleotide variant.
Coding change: c.-157C>A on transcript NM_032193.3; 157 bases upstream of the start codon, C replaced by A.
Genome position (GRCh38, 1-based): chr11:65,720,915, G>T on the plus strand (C>A on the coding strand, the complement: RNASEH2C is on the minus strand). VCF-style: chr11-65720915-G-T. GRCh37 (hg19) VCF-style: chr11-65488386-G-T.
Other names: c.-157C>A (NM_032193.4).
Identifiers: ClinVar variation 305370 (VCV000305370.8), dbSNP rs535406222, ClinGen allele CA10639032.
Genomic context (GRCh38, chr11:65,720,915, plus strand): 5'-GGAAGCCGCCGCGGAGCTTCACGGGAAGTGTAGTCCCCTTACCCCCTAACGCTTTCCCTG[G>T]GTTCAAGTCCTAGGGTTTTCCAGTTGTGTTTTGTTTTTTTCCTTCCTTCCTTCCCCCCTC-3'